The following is an entry in ClinVar:

NM_000112.4(SLC26A2):c.1486C>T (p.Arg496Cys)

Gene: SLC26A2 (solute carrier family 26 member 2; plus strand). Cytogenetic location: 5q32.
Variant type: single nucleotide variant.
Coding change: c.1486C>T on transcript NM_000112.4 (MANE Select); coding-DNA position 1486, C replaced by T.
Protein change: p.Arg496Cys; replaces arginine 496 with cysteine.
Molecular consequence: missense variant.
Genome position (GRCh38, 1-based): chr5:149,981,079, C>T. VCF-style: chr5-149981079-C-T. GRCh37 (hg19) VCF-style: chr5-149360642-C-T.
Other names: short protein forms R496C.
Identifiers: ClinVar variation 2164263 (VCV002164263.2), dbSNP rs768811618, ClinGen allele CA3505447.
Genomic context (GRCh38, chr5:149,981,079, plus strand): 5'-TATTCCCTTCAAAAAAGTGTCCTTGGTGTGATCACAATTGTAAATCTACGGGGAGCCCTT[C>T]GTAAATTTAGGGATCTTCCCAAAATGTGGAGTATTAGTAGAATGGATACAGTTATCTGGT-3'
Protein context (NP_000103.2, residues 486-506): ITIVNLRGAL[Arg496Cys]KFRDLPKMWS

ClinVar aggregate classification (germline): Uncertain significance (1 of 4 stars; one submission).

Conditions:
Achondrogenesis, type IB (ACG1B). Also called: Achondrogenesis Type 1B. Identifiers: Orphanet 932, Orphanet 93298, MedGen C0265274, MONDO:0010966, OMIM 600972.
Multiple epiphyseal dysplasia type 4 (EDM4). Also called: SLC26A2-Related Multiple Epiphyseal Dysplasia; Multiple Epiphyseal Dysplasia, Recessive; MULTIPLE EPIPHYSEAL DYSPLASIA WITH BILAYERED PATELLAE; MULTIPLE EPIPHYSEAL DYSPLASIA WITH CLUBFOOT; MULTIPLE EPIPHYSEAL DYSPLASIA, AUTOSOMAL RECESSIVE. Identifiers: Orphanet 93307, MedGen C1847593, MONDO:0009189, OMIM 226900.
Atelosteogenesis type II (AO2). Also called: Neonatal osseous dysplasia 1; SLC26A2-Related Atelosteogenesis; NEONATAL OSSEOUS DYSPLASIA I. Identifiers: Orphanet 56304, MedGen C1850554, MONDO:0009727, OMIM 256050.
Diastrophic dysplasia (DTD). Also called: Diastrophic dwarfism. Identifiers: Orphanet 628, MedGen C0220726, MONDO:0009107, OMIM 222600.

Allele frequency attached by ClinVar (database versions not stated): gnomAD exomes below 0.00001; TOPMed below 0.00001; ExAC 0.00002.
gnomAD v4.1: 8 of 1,614,100 alleles (0.0005%); highest among the groups gnomAD compares: Middle Eastern, 0.016%; no homozygotes.

Submission:

Labcorp Genetics (formerly Invitae), Labcorp
Classification: Uncertain significance for Atelosteogenesis type II; Multiple epiphyseal dysplasia type 4; Achondrogenesis, type IB; Diastrophic dysplasia. Last evaluated: 2025-02-10. Review status: criteria provided, single submitter. Criteria: Invitae Variant Classification Sherloc (09022015). Collection method: clinical testing. Allele origin: germline.
Comment: This sequence change replaces arginine, which is basic and polar, with cysteine, which is neutral and slightly polar, at codon 496 of the SLC26A2 protein (p.Arg496Cys). This variant is present in population databases (rs768811618, gnomAD 0.006%). This variant has not been reported in the literature in individuals affected with SLC26A2-related conditions. ClinVar contains an entry for this variant (Variation ID: 2164263). Invitae Evidence Modeling of protein sequence and biophysical properties (such as structural, functional, and spatial information, amino acid conservation, physicochemical variation, residue mobility, and thermodynamic stability) indicates that this missense variant is not expected to disrupt SLC26A2 protein function with a negative predictive value of 80%. In summary, the available evidence is currently insufficient to determine the role of this variant in disease. Therefore, it has been classified as a Variant of Uncertain Significance.